The following is an entry in ClinVar:

ClinVar aggregate classification (germline): Uncertain significance (1 of 4 stars; one submission).

Conditions:
Immunodeficiency, common variable, 10. Also called: DEFICIT IN ANTERIOR PITUITARY FUNCTION AND VARIABLE IMMUNODEFICIENCY; IMMUNODEFICIENCY, COMMON VARIABLE, WITH CENTRAL ADRENAL INSUFFICIENCY. Identifiers: MedGen C3809991, MONDO:0014260, OMIM 615577.

Submission:

Labcorp Genetics (formerly Invitae), Labcorp
Classification: Uncertain significance for Immunodeficiency, common variable, 10. Last evaluated: 2025-09-08. Review status: criteria provided, single submitter. Criteria: Invitae Variant Classification Sherloc (09022015). Collection method: clinical testing. Allele origin: germline.
Comment: This sequence change replaces histidine, which is basic and polar, with aspartic acid, which is acidic and polar, at codon 512 of the NFKB2 protein (p.His512Asp). This variant is not present in population databases (gnomAD no frequency). This variant has not been reported in the literature in individuals affected with NFKB2-related conditions. An algorithm developed to predict the effect of missense changes on protein structure and function (PolyPhen-2) suggests that this variant is likely to be tolerated. In summary, the available evidence is currently insufficient to determine the role of this variant in disease. Therefore, it has been classified as a Variant of Uncertain Significance.

NM_001322934.2(NFKB2):c.1534C>G (p.His512Asp)

Gene: NFKB2 (nuclear factor kappa B subunit 2; plus strand). Cytogenetic location: 10q24.32.
Variant type: single nucleotide variant.
Coding change: c.1534C>G on transcript NM_001322934.2 (MANE Select); coding-DNA position 1534, C replaced by G.
Protein change: p.His512Asp; replaces histidine 512 with aspartic acid.
Molecular consequence: missense variant.
Genome position (GRCh38, 1-based): chr10:102,400,144, C>G. VCF-style: chr10-102400144-C-G. GRCh37 (hg19) VCF-style: chr10-104159901-C-G.
Other names: c.1534C>G, p.His512Asp (NM_001077494.3, NM_001261403.3, NM_001288724.1 and 1 more transcripts); c.1408C>G, p.His470Asp (NM_001322935.1); short protein forms H470D, H512D.
Identifiers: ClinVar variation 4723911 (VCV004723911.1).